The following is an entry in ClinVar:

NM_152416.4(NDUFAF6):c.110_111del (p.Pro37fs)

Genes: NDUFAF6 (NADH:ubiquinone oxidoreductase complex assembly factor 6; plus strand), LOC113788297 (Sharpr-MPRA regulatory region 2014; plus strand). Cytogenetic location: 8q22.1.
Variant type: Deletion.
Coding change: c.110_111del on transcript NM_152416.4 (MANE Select); coding-DNA positions 110 to 111, 2 bases deleted (CC; older notation c.110_111delCC).
Protein change: p.Pro37fs; shifts the reading frame from proline 37.
Molecular consequence: frameshift variant. On other transcripts: 5 prime UTR variant (12), non-coding transcript variant (6), intron variant (7).
Genome position (GRCh38, 1-based): chr8:95,025,118-95,025,119, CC deleted; deleting any 2 consecutive bases within chr8:95,025,117-95,025,119 gives the same sequence; the c. name uses the placement nearest the transcript's 3' end. VCF-style (leftmost placement, unchanged base first): chr8-95025116-GCC-G. GRCh37 (hg19) VCF-style: chr8-96037344-GCC-G.
Other names: c.-171_-170del (NM_001330582.2, NM_001354521.2); c.-124_-123del (NM_001354517.2); c.-343_-342del (NM_001354518.2); c.-339_-338del (NM_001354519.2); c.-688_-687del (NM_001354527.2); c.-659_-658del (NM_001354528.2); c.-471_-470del (NM_001354529.2); c.-573_-572del (NM_001354530.2); and 8 more; short protein forms P37fs.
Identifiers: ClinVar variation 4762476 (VCV004762476.1).
Genomic context (GRCh38, chr8:95,025,116, plus strand): 5'-CATCCCCGGCCTGTGCTGCCGCCGGCCGCCTCTGGGTCTGTACGCGCGCATGCGGCGGCT[GCC>G]CGGGCCGGAGGTGTCTGGGCGGAGCGTGGCTGCGGCCAGCGGACCGGGCGCCTGGGGCAC-3'

ClinVar aggregate classification (germline): Pathogenic (1 of 4 stars; one submission).

Submission:

Labcorp Genetics (formerly Invitae), Labcorp
Classification: Pathogenic. Last evaluated: 2025-02-13. Review status: criteria provided, single submitter. Criteria: Invitae Variant Classification Sherloc (09022015). Collection method: clinical testing. Allele origin: germline.
Comment: This sequence change creates a premature translational stop signal (p.Pro37Argfs*21) in the NDUFAF6 gene. It is expected to result in an absent or disrupted protein product. Loss-of-function variants in NDUFAF6 are known to be pathogenic (PMID: 28639102, 30642748). This variant is not present in population databases (gnomAD no frequency). This variant has not been reported in the literature in individuals affected with NDUFAF6-related conditions. For these reasons, this variant has been classified as Pathogenic.

Literature cited by the submitters: PubMed 28639102; PubMed 30642748.